The following is an entry in ClinVar:

NM_006017.3(PROM1):c.1711G>A (p.Gly571Ser)

Gene: PROM1 (prominin 1; minus strand). Cytogenetic location: 4p15.32.
Variant type: single nucleotide variant.
Coding change: c.1711G>A on transcript NM_006017.3 (MANE Select); coding-DNA position 1711, G replaced by A.
Protein change: p.Gly571Ser; replaces glycine 571 with serine.
Molecular consequence: missense variant.
Genome position (GRCh38, 1-based): chr4:15,994,043, C>T on the plus strand (G>A on the coding strand, the complement: PROM1 is on the minus strand). VCF-style: chr4-15994043-C-T. GRCh37 (hg19) VCF-style: chr4-15995666-C-T.
Other names: c.1684G>A, p.Gly562Ser (NM_001145847.2, NM_001145848.2, NM_001145851.2 and 4 more transcripts); c.1711G>A, p.Gly571Ser (NM_001145849.2, NM_001145850.2); short protein forms G562S, G571S.
Identifiers: ClinVar variation 1525404 (VCV001525404.8), dbSNP rs953440200, ClinGen allele CA2866664.

ClinVar aggregate classification (germline): Uncertain significance (1 of 4 stars; one submission).

Allele frequency attached by ClinVar (database versions not stated): gnomAD exomes 0.00001; ExAC 0.00002.
gnomAD v4.1: 11 of 1,613,762 alleles (0.00068%); highest among the groups gnomAD compares: East Asian, 0.0022%; no homozygotes.

Submission:

Labcorp Genetics (formerly Invitae), Labcorp
Classification: Uncertain significance. Last evaluated: 2023-11-27. Review status: criteria provided, single submitter. Criteria: Invitae Variant Classification Sherloc (09022015). Collection method: clinical testing. Allele origin: germline.
Comment: This sequence change replaces glycine, which is neutral and non-polar, with serine, which is neutral and polar, at codon 571 of the PROM1 protein (p.Gly571Ser). This variant is present in population databases (no rsID available, gnomAD 0.006%). This variant has not been reported in the literature in individuals affected with PROM1-related conditions. ClinVar contains an entry for this variant (Variation ID: 1525404). Advanced modeling of protein sequence and biophysical properties (such as structural, functional, and spatial information, amino acid conservation, physicochemical variation, residue mobility, and thermodynamic stability) performed at Invitae indicates that this missense variant is not expected to disrupt PROM1 protein function with a negative predictive value of 80%. In summary, the available evidence is currently insufficient to determine the role of this variant in disease. Therefore, it has been classified as a Variant of Uncertain Significance.